The following is an entry in ClinVar:

NM_001282531.3(ADNP):c.49A>G (p.Lys17Glu)

Gene: ADNP (activity dependent neuroprotector homeobox; minus strand). Cytogenetic location: 20q13.13.
Variant type: single nucleotide variant.
Coding change: c.49A>G on transcript NM_001282531.3 (MANE Select); coding-DNA position 49, A replaced by G.
Protein change: p.Lys17Glu; replaces lysine 17 with glutamic acid.
Molecular consequence: missense variant.
Genome position (GRCh38, 1-based): chr20:50,903,948, T>C on the plus strand (A>G on the coding strand, the complement: ADNP is on the minus strand). VCF-style: chr20-50903948-T-C. GRCh37 (hg19) VCF-style: chr20-49520485-T-C.
Other names: c.49A>G, p.Lys17Glu (NM_001282532.2, NM_001347511.2, NM_015339.5 and 1 more transcripts); short protein forms K17E.
Identifiers: ClinVar variation 4071842 (VCV004071842.3).

ClinVar aggregate classification (germline): Uncertain significance (1 of 4 stars; one submission).

Submission:

GeneDx
Classification: Uncertain significance. Last evaluated: 2026-10-11. Review status: criteria provided, single submitter. Criteria: GeneDx Variant Classification Process June 2021. Collection method: clinical testing. Allele origin: germline.
Comment: Not observed at significant frequency in large population cohorts (gnomAD); In silico analysis supports that this missense variant has a deleterious effect on protein structure/function; Has not been previously published as pathogenic or benign to our knowledge